The following is an entry in ClinVar:

ClinVar aggregate classification (germline): Conflicting classifications of pathogenicity. Review status: criteria provided, conflicting classifications (1 of 4 stars). 2 submissions from 2 submitters: Uncertain significance (1); Likely benign (1). Last evaluated 2024-02-21.

Conditions:
Developmental and epileptic encephalopathy, 36 (DEE36). Also called: Epileptic encephalopathy, early infantile, 36; Congenital disorder of glycosylation, type Is; ALG13-CDG. Identifiers: Orphanet 324422, MedGen C4317295, MONDO:0010472, OMIM 300884.

Allele frequency attached by ClinVar (database versions not stated): gnomAD exomes 0.00003 and 0.00007; gnomAD 0.00005; ExAC 0.00044.
gnomAD v4.1: 30 of 1,006,006 alleles (0.003%); highest among the groups gnomAD compares: Non-Finnish European, 0.00013%; 1 homozygote.

Submissions (2):

Blueprint Genetics
Classification: Likely benign. Last evaluated: 2024-02-21. Review status: criteria provided, single submitter. Criteria: ACMG Guidelines, 2015. Collection method: clinical testing. Allele origin: germline.

Labcorp Genetics (formerly Invitae), Labcorp
Classification: Uncertain significance for Developmental and epileptic encephalopathy, 36. Last evaluated: 2021-03-31. Review status: criteria provided, single submitter. Criteria: Invitae Variant Classification Sherloc (09022015). Collection method: clinical testing. Allele origin: germline.
Comment: In summary, the available evidence is currently insufficient to determine the role of this variant in disease. Therefore, it has been classified as a Variant of Uncertain Significance. This sequence change replaces proline with serine at codon 934 of the ALG13 protein (p.Pro934Ser). The proline residue is weakly conserved and there is a moderate physicochemical difference between proline and serine. While this variant is present in population databases (rs766833930), the frequency information is unreliable, as metrics indicate poor data quality at this position in the ExAC database. This variant has not been reported in the literature in individuals with ALG13-related conditions. Algorithms developed to predict the effect of missense changes on protein structure and function output the following: SIFT: "Tolerated"; PolyPhen-2: "Benign"; Align-GVGD: "Class C0". The serine amino acid residue is found in multiple mammalian species, suggesting that this missense change does not adversely affect protein function. These predictions have not been confirmed by published functional studies and their clinical significance is uncertain.

NM_001099922.3(ALG13):c.2800C>T (p.Pro934Ser)

Gene: ALG13 (ALG13 UDP-N-acetylglucosaminyltransferase subunit; plus strand). Cytogenetic location: Xq23.
Variant type: single nucleotide variant.
Coding change: c.2800C>T on transcript NM_001099922.3 (MANE Select); coding-DNA position 2800, C replaced by T.
Protein change: p.Pro934Ser; replaces proline 934 with serine.
Molecular consequence: missense variant. On other transcripts: intron variant (5).
Genome position (GRCh38, 1-based): chrX:111,744,772, C>T. VCF-style: chrX-111744772-C-T. GRCh37 (hg19) VCF-style: chrX-110988000-C-T.
Other names: c.2566C>T, p.Pro856Ser (NM_001257231.2); c.2383+7893C>T (NM_001257237.2, NM_001257234.2, NM_001257230.2); c.2209+7893C>T (NM_001324293.1); c.2695+7893C>T (NM_001324292.2); short protein forms P934S, P856S.
Identifiers: ClinVar variation 1414724 (VCV001414724.9), dbSNP rs766833930, ClinGen allele CA10493984.